The following is an entry in ClinVar:

NC_000023.10:g.(?_85119615)_(85302556_?)del

Gene: CHM (CHM Rab escort protein; minus strand). Cytogenetic location: Xq21.2.
Variant type: Deletion.
Identifiers: ClinVar variation 651805 (VCV000651805.1).

ClinVar aggregate classification (germline): Pathogenic (1 of 4 stars; one submission).

Submission:

Labcorp Genetics (formerly Invitae), Labcorp
Classification: Pathogenic. Last evaluated: 2018-12-06. Review status: criteria provided, single submitter. Criteria: Invitae Variant Classification Sherloc (09022015). Collection method: clinical testing. Allele origin: germline.
Comment: A gross deletion of the genomic region encompassing the full coding sequence of the CHM gene has been identified. The boundaries of this event are unknown as the deletion extends beyond the assayed region for this gene and therefore may encompass additional genes. A similar deletion has been observed in several individuals affected with choroideremia (PMID:Â¬â€ 26133251,Â¬â€ 7981671,Â¬â€ 21905166, 23811034) and segregated with choroideremia in several familiesÂ¬â€ (PMID: 8749050, 17698759). Larger deletions involving this and neighboring genes have also been reported in families withÂ¬â€ choroideremia, deafness, and mental retardationÂ¬â€ (PMID:Â¬â€ 3476958). Loss-of-function variants in CHM are known to be pathogenic (PMID: 9067750, 23811034). For these reasons, this variant has been classified as Pathogenic.

Literature cited by the submitters: PubMed 8749050; PubMed 17698759.